The following is an entry in ClinVar:

ClinVar aggregate classification (germline): Uncertain significance (1 of 4 stars; one submission).

Conditions:
Hereditary cancer-predisposing syndrome. Also called: Tumor predisposition; Hereditary neoplastic syndrome; Hereditary Cancer Syndrome; Neoplastic Syndromes, Hereditary. Identifiers: Orphanet 140162, MedGen C0027672, MeSH D009386, MONDO:0015356.

Submission:

Ambry Genetics
Classification: Uncertain significance for Hereditary cancer-predisposing syndrome. Last evaluated: 2025-06-07. Review status: criteria provided, single submitter. Criteria: Ambry Variant Classification Scheme 2023. Collection method: clinical testing. Allele origin: germline.
Comment: The p.P840T variant (also known as c.2518C>A), located in coding exon 15 of the PMS2 gene, results from a C to A substitution at nucleotide position 2518. The proline at codon 840 is replaced by threonine, an amino acid with highly similar properties. This amino acid position is conserved. In addition, this alteration is predicted to be deleterious by in silico analysis. Based on the available evidence, the clinical significance of this variant remains unclear.

NM_000535.7(PMS2):c.2518C>A (p.Pro840Thr)

Gene: PMS2 (PMS1 homolog 2, mismatch repair system component; minus strand). Cytogenetic location: 7p22.1.
Variant type: single nucleotide variant.
Coding change: c.2518C>A on transcript NM_000535.7 (MANE Select); coding-DNA position 2518, C replaced by A.
Protein change: p.Pro840Thr; replaces proline 840 with threonine.
Molecular consequence: missense variant. On other transcripts: non-coding transcript variant (1).
Genome position (GRCh38, 1-based): chr7:5,973,470, G>T on the plus strand (C>A on the coding strand, the complement: PMS2 is on the minus strand). VCF-style: chr7-5973470-G-T. GRCh37 (hg19) VCF-style: chr7-6013101-G-T.
Other names: c.1945C>A, p.Pro649Thr (NM_001322013.2, NM_001406908.1, NM_001406909.1); c.2551C>A, p.Pro851Thr (NM_001322014.2); c.2209C>A, p.Pro737Thr (NM_001322015.2, NM_001406877.1, NM_001406878.1 and 4 more transcripts); c.2704C>A, p.Pro902Thr (NM_001406866.1); c.2542C>A, p.Pro848Thr (NM_001406868.1); c.2410C>A, p.Pro804Thr (NM_001406869.1); c.2395C>A, p.Pro799Thr (NM_001406870.1); c.2374C>A, p.Pro792Thr (NM_001406871.1); and 20 more; short protein forms P649T, P718T, P745T, P748T, P840T, P848T, P583T, P601T.
Identifiers: ClinVar variation 3935157 (VCV003935157.1).